The following is an entry in ClinVar:

ClinVar aggregate classification (germline): Pathogenic (1 of 4 stars; one submission).

Conditions:
Joubert syndrome. Also called: JOUBERT-BOLTSHAUSER SYNDROME; Familial aplasia of the vermis. Identifiers: Orphanet 475, MedGen C5979921, MONDO:0018772.
Meckel-Gruber syndrome. Also called: DYSENCEPHALIA SPLANCHNOCYSTICA; GRUBER SYNDROME; Dysencephalia splachnocystica. Identifiers: Orphanet 564, MedGen C0265215, MONDO:0018921.

Submission:

Labcorp Genetics (formerly Invitae), Labcorp
Classification: Pathogenic for Joubert syndrome; Meckel-Gruber syndrome. Last evaluated: 2026-01-19. Review status: criteria provided, single submitter. Criteria: Invitae Variant Classification Sherloc (09022015). Collection method: clinical testing. Allele origin: germline.
Comment: This sequence change creates a premature translational stop signal (p.Gln1404*) in the CC2D2A gene. It is expected to result in an absent or disrupted protein product. Loss-of-function variants in CC2D2A are known to be pathogenic (PMID: 19777577). This variant is not present in population databases (gnomAD no frequency). This variant has not been reported in the literature in individuals affected with CC2D2A-related conditions. Algorithms developed to predict the effect of sequence changes on RNA splicing suggest that this variant may disrupt the consensus splice site. For these reasons, this variant has been classified as Pathogenic.

Literature cited by the submitters: PubMed 19777577.

NM_001378615.1(CC2D2A):c.4210C>T (p.Gln1404Ter)

Genes: CC2D2A (coiled-coil and C2 domain containing 2A; plus strand), FBXL5 (F-box and leucine rich repeat protein 5; minus strand). Cytogenetic location: 4p15.32.
Variant type: single nucleotide variant.
Coding change: c.4210C>T on transcript NM_001378615.1 (MANE Select); coding-DNA position 4210, C replaced by T.
Protein change: p.Gln1404Ter; replaces glutamine 1404 with a stop codon.
Molecular consequence: nonsense.
Genome position (GRCh38, 1-based): chr4:15,589,575, C>T. VCF-style: chr4-15589575-C-T. GRCh37 (hg19) VCF-style: chr4-15591198-C-T.
Other names: c.4210C>T, p.Gln1404Ter (NM_001080522.2); c.4063C>T, p.Gln1355Ter (NM_001378617.1); short protein forms Q1404*, Q1355*.
Identifiers: ClinVar variation 4787238 (VCV004787238.1).
Genomic context (GRCh38, chr4:15,589,575, plus strand): 5'-AAACTAGTTTTAATGGCCATCTTCTTTCAGGGTCCAACTGCCTATGTGCTAACTTGGGAG[C>T]AAGGTCGTTATTTAATATGGAATCCCTGCAGTGGACATTTTTATGGACAATTTGATACAT-3'